The following is an entry in ClinVar:

NM_015662.3(IFT172):c.1731C>T (p.Thr577=)

Gene: IFT172 (intraflagellar transport 172; minus strand). Cytogenetic location: 2p23.3.
Variant type: single nucleotide variant.
Coding change: c.1731C>T on transcript NM_015662.3 (MANE Select); coding-DNA position 1731, C replaced by T.
Protein change: p.Thr577=; no amino-acid change (threonine 577 retained).
Molecular consequence: synonymous variant.
Genome position (GRCh38, 1-based): chr2:27,465,844, G>A on the plus strand (C>T on the coding strand, the complement: IFT172 is on the minus strand). VCF-style: chr2-27465844-G-A. GRCh37 (hg19) VCF-style: chr2-27688711-G-A.
Other names: c.1731C>T (NM_015662.2).
Identifiers: ClinVar variation 1127215 (VCV001127215.11), dbSNP rs369849820, ClinGen allele CA44502051.

ClinVar aggregate classification (germline): Likely benign. Review status: criteria provided, multiple submitters, no conflicts (2 of 4 stars). 3 submissions from 3 submitters: Likely benign (2). 1 of the submissions does not count toward it. Last evaluated 2025-07-08.

Conditions:
Retinal dystrophy. Also called: Inherited retinal dystrophy. Identifiers: Orphanet 71862, MedGen C0854723, MeSH D058499, MONDO:0019118, HP:0000556.
IFT172-related disorder. Also called: IFT172-related disorders; IFT172-related condition.
Short-rib thoracic dysplasia 10 with or without polydactyly (SRTD10). Identifiers: Orphanet 474, MedGen C3810175, MONDO:0014284, OMIM 615630.
Retinitis pigmentosa 71 (RP71). Identifiers: Orphanet 791, MedGen C4225342, MONDO:0014618, OMIM 616394.

Allele frequency attached by ClinVar (database versions not stated): ESP Exome Variant Server 0.00008.
gnomAD v4.1: 7 of 1,613,814 alleles (0.00043%); highest among the groups gnomAD compares: Middle Eastern, 0.017%; no homozygotes.

Submissions (3):

Labcorp Genetics (formerly Invitae), Labcorp
Classification: Likely benign for Retinitis pigmentosa 71; Short-rib thoracic dysplasia 10 with or without polydactyly. Last evaluated: 2025-07-08. Review status: criteria provided, single submitter. Criteria: Invitae Variant Classification Sherloc (09022015). Collection method: clinical testing. Allele origin: germline.

Dept Of Ophthalmology, Nagoya University
Classification: Likely benign for Retinal dystrophy. Last evaluated: 2023-10-01. Review status: criteria provided, single submitter. Criteria: Submitter's publication. Collection method: research. Allele origin: germline. Affected: yes.

PreventionGenetics, part of Exact Sciences
Classification: Likely benign for IFT172-related condition. Last evaluated: 2023-08-15. Review status: no assertion criteria provided. Collection method: clinical testing. Allele origin: germline. Not counted in ClinVar's aggregate classification.
Comment: This variant is classified as likely benign based on ACMG/AMP sequence variant interpretation guidelines (Richards et al. 2015 PMID: 25741868, with internal and published modifications).